The following is an entry in ClinVar:

NM_006493.4(CLN5):c.580C>T (p.Gln194Ter)

Gene: CLN5 (CLN5 lysosomal BMP synthase; plus strand). Cytogenetic location: 13q22.3.
Variant type: single nucleotide variant.
Coding change: c.580C>T on transcript NM_006493.4 (MANE Select); coding-DNA position 580, C replaced by T.
Protein change: p.Gln194Ter; replaces glutamine 194 with a stop codon.
Molecular consequence: nonsense. On other transcripts: 3 prime UTR variant (1).
Genome position (GRCh38, 1-based): chr13:77,000,472, C>T. VCF-style: chr13-77000472-C-T. GRCh37 (hg19) VCF-style: chr13-77574607-C-T.
Other names: c.*29C>T (NM_001366624.2); short protein forms Q194*.
Identifiers: ClinVar variation 1075607 (VCV001075607.13), dbSNP rs2154035107, ClinGen allele CA388311212.

ClinVar aggregate classification (germline): Conflicting classifications of pathogenicity. Review status: criteria provided, conflicting classifications (1 of 4 stars). 3 submissions from 3 submitters: Pathogenic (2); Uncertain significance (1). Last evaluated 2021-08-10.

Conditions:
Neuronal ceroid lipofuscinosis. Also called: Neuronal Ceroid Lipofuscinoses. Identifiers: Orphanet 216, Orphanet 79263, MedGen C0027877, MONDO:0016295. Disease mechanism: loss of function.
Neuronal ceroid lipofuscinosis 5 (CLN5). Also called: CEROID LIPOFUSCINOSIS, NEURONAL, 5, VARIABLE AGE AT ONSET; Neuronal ceroid lipofuscinosis Finnish variant; NEURONAL CEROID LIPOFUSCINOSIS, LATE INFANTILE, FINNISH VARIANT; CLN5-Related Neuronal Ceroid-Lipofuscinosis. Identifiers: Orphanet 168491, Orphanet 228360, MedGen C1850442, MONDO:0009745, OMIM 256731.

Submissions (3):

Genome-Nilou Lab
Classification: Pathogenic for Neuronal ceroid lipofuscinosis 5. Last evaluated: 2021-08-10. Review status: criteria provided, single submitter. Criteria: ACMG Guidelines, 2015. Collection method: clinical testing. Allele origin: germline. Affected: no.

Labcorp Genetics (formerly Invitae), Labcorp
Classification: Pathogenic for Neuronal ceroid lipofuscinosis. Last evaluated: 2020-08-27. Review status: criteria provided, single submitter. Criteria: Invitae Variant Classification Sherloc (09022015). Collection method: clinical testing. Allele origin: germline.
Comment: For these reasons, this variant has been classified as Pathogenic. This variant disrupts the C-terminus of the CLN5 protein. Other variant(s) that disrupt this region (p.Tyr392*) have been determined to be pathogenic (PMID: 9662406, Invitae). This suggests that variants that disrupt this region of the protein are likely to be causative of disease. This variant has not been reported in the literature in individuals with CLN5-related conditions. This variant is not present in population databases (ExAC no frequency). This sequence change results in a premature translational stop signal in the CLN5 gene (p.Gln243*). While this is not anticipated to result in nonsense mediated decay, it is expected to disrupt the last 165 amino acids of the CLN5 protein.

Juno Genomics, Hangzhou Juno Genomics, Inc
Classification: Uncertain significance for Neuronal ceroid lipofuscinosis 5. Review status: criteria provided, single submitter. Criteria: ACMG Guidelines, 2015. Collection method: clinical testing. Allele origin: germline.
Comment: Null variant in a gene where loss of function (LOF) is a known mechanism of disease.;Absent from controls (or at extremely low frequency if recessive) in Genome Aggregation Database.

Literature cited by the submitters: PubMed 9662406 (cited by Labcorp Genetics (formerly Invitae), Labcorp).